The following is an entry in ClinVar:

ClinVar aggregate classification (germline): Uncertain significance (1 of 4 stars; one submission).

Allele frequency attached by ClinVar (database versions not stated): ExAC 0.00007; TOPMed 0.00002; gnomAD exomes 0.00006; gnomAD 0.00001.
gnomAD v4.1: 35 of 1,613,056 alleles (0.0022%); highest among the groups gnomAD compares: Middle Eastern, 0.066%; no homozygotes.

Submission:

Laboratory for Molecular Medicine, Mass General Brigham Personalized Medicine
Classification: Uncertain significance. Last evaluated: 2013-07-26. Review status: criteria provided, single submitter. Criteria: LMM Criteria. Collection method: clinical testing. Allele origin: germline. Observed: 4 variant alleles.
Comment: Computational analyses (biochemical amino acid properties, conservation, AlignGVGD, PolyPhen2, and SIFT) are limited or unavailable for this variant. Add itional information is needed to fully assess the clinical significance of this variant.

NM_133379.5(TTN):c.15338C>T (p.Ala5113Val)

Gene: TTN (titin; minus strand). Cytogenetic location: 2q31.2.
Variant type: single nucleotide variant.
Coding change: c.15338C>T on transcript NM_133379.5 (MANE Plus Clinical); coding-DNA position 15338, C replaced by T.
Protein change: p.Ala5113Val; replaces alanine 5113 with valine.
Molecular consequence: missense variant. On other transcripts: intron variant (6).
Genome position (GRCh38, 1-based): chr2:178,747,062, G>A on the plus strand (C>T on the coding strand, the complement: TTN is on the minus strand). VCF-style: chr2-178747062-G-A. GRCh37 (hg19) VCF-style: chr2-179611789-G-A.
Other names: c.10223-5141C>T (NM_003319.4); c.10799-5141C>T (NM_133437.4); c.10598-5141C>T (NM_133432.3); c.10360+6062C>T (NM_133378.4); c.10361-5141C>T (NM_001256850.1); c.11312-5141C>T (NM_001267550.2); short protein forms A5113V.
Identifiers: ClinVar variation 47785 (VCV000047785.5), dbSNP rs397517816, ClinGen allele CA141892.